The following is an entry in ClinVar:

ClinVar aggregate classification (germline): Benign/Likely benign. Review status: criteria provided, multiple submitters, no conflicts (2 of 4 stars). 3 submissions from 3 submitters: Benign (1); Likely benign (2). Last evaluated 2025-10-13.

Conditions:
Hereditary cancer-predisposing syndrome. Also called: Hereditary neoplastic syndrome; Neoplastic Syndromes, Hereditary; Tumor predisposition; Hereditary Cancer Syndrome. Identifiers: Orphanet 140162, MedGen C0027672, MeSH D009386, MONDO:0015356.
Familial cancer of breast. Also called: BREAST CANCER, FAMILIAL; Hereditary breast cancer; hereditary breast carcinoma. Identifiers: Orphanet 227535, MedGen C0346153, MONDO:0016419, OMIM 114480. Disease mechanism: loss of function.
Ataxia-telangiectasia syndrome (AT). Also called: LOUIS-BAR SYNDROME; Cerebello-oculocutaneous telangiectasia; Immunodeficiency with ataxia telangiectasia; AT, COMPLEMENTATION GROUP C; Ataxia-telangiectasia, complementation group D; ATAXIA-TELANGIECTASIA, COMPLEMENTATION GROUP A. Identifiers: Orphanet 100, MedGen C0004135, MONDO:0008840, OMIM 208900.

Allele frequency attached by ClinVar (database versions not stated): gnomAD exomes below 0.00001; ExAC 0.00001.

Submissions (3):

Labcorp Genetics (formerly Invitae), Labcorp
Classification: Likely benign for Ataxia-telangiectasia syndrome. Last evaluated: 2025-10-13. Review status: criteria provided, single submitter. Criteria: Invitae Variant Classification Sherloc (09022015). Collection method: clinical testing. Allele origin: germline.

Myriad Genetics, Inc.
Classification: Benign for Familial cancer of breast. Last evaluated: 2024-04-19. Review status: criteria provided, single submitter. Criteria: Myriad Autosomal Dominant, Autosomal Recessive and X-Linked Classification Criteria (2023). Collection method: clinical testing. Allele origin: unknown.
Comment: This variant is considered benign. This variant is a silent/synonymous amino acid change and it is not expected to impact splicing.

Ambry Genetics
Classification: Likely benign for Hereditary cancer-predisposing syndrome. Last evaluated: 2016-05-03. Review status: criteria provided, single submitter. Criteria: Ambry Variant Classification Scheme 2023. Collection method: clinical testing. Allele origin: germline.

NM_000051.4(ATM):c.360C>G (p.Leu120=)

Gene: ATM (ATM serine/threonine kinase; plus strand). Cytogenetic location: 11q22.3.
Variant type: single nucleotide variant.
Coding change: c.360C>G on transcript NM_000051.4 (MANE Select); coding-DNA position 360, C replaced by G.
Protein change: p.Leu120=; no amino-acid change (leucine 120 retained).
Molecular consequence: synonymous variant.
Genome position (GRCh38, 1-based): chr11:108,235,698, C>G. VCF-style: chr11-108235698-C-G. GRCh37 (hg19) VCF-style: chr11-108106425-C-G.
Other names: c.360C>G, p.Leu120= (NM_001351834.2).
Identifiers: ClinVar variation 481242 (VCV000481242.15), dbSNP rs749489010, ClinGen allele CA6264592.
Genomic context (GRCh38, chr11:108,235,698, plus strand): 5'-ATGTTTTTCTTTATTTGTTTATTTTGAAATAGGAGCACCTAGGCTAAAATGTCAAGAACT[C>G]TTAAATTATATCATGGATACAGTGAAAGATTCATCTAATGGTGCTATTTACGGAGCTGAT-3'
Protein context (NP_000042.3, residues 110-130): RRAPRLKCQE[Leu120=]LNYIMDTVKD